The following is an entry in ClinVar:

ClinVar aggregate classification (germline): Uncertain significance (1 of 4 stars; one submission).

gnomAD v4.1: 25 of 1,597,716 alleles (0.0016%); highest among the groups gnomAD compares: East Asian, 0.022%; no homozygotes.

Submission:

Labcorp Genetics (formerly Invitae), Labcorp
Classification: Uncertain significance. Last evaluated: 2025-12-09. Review status: criteria provided, single submitter. Criteria: Invitae Variant Classification Sherloc (09022015). Collection method: clinical testing. Allele origin: germline.
Comment: This sequence change replaces glutamic acid, which is acidic and polar, with aspartic acid, which is acidic and polar, at codon 242 of the PSMA3 protein (p.Glu242Asp). This variant is present in population databases (rs376830435, gnomAD 0.007%). This variant has not been reported in the literature in individuals affected with PSMA3-related conditions. ClinVar contains an entry for this variant (Variation ID: 1378828). An algorithm developed to predict the effect of missense changes on protein structure and function (PolyPhen-2) suggests that this variant is likely to be tolerated. In summary, the available evidence is currently insufficient to determine the role of this variant in disease. Therefore, it has been classified as a Variant of Uncertain Significance.

NM_002788.4(PSMA3):c.726A>C (p.Glu242Asp)

Genes: PSMA3 (proteasome 20S subunit alpha 3; plus strand), PSMA3-AS1 (PSMA3 antisense RNA 1; minus strand). Cytogenetic location: 14q23.1.
Variant type: single nucleotide variant.
Coding change: c.726A>C on transcript NM_002788.4 (MANE Select); coding-DNA position 726, A replaced by C.
Protein change: p.Glu242Asp; replaces glutamic acid 242 with aspartic acid.
Molecular consequence: missense variant. On other transcripts: non-coding transcript variant (1).
Genome position (GRCh38, 1-based): chr14:58,271,853, A>C. VCF-style: chr14-58271853-A-C. GRCh37 (hg19) VCF-style: chr14-58738571-A-C.
Other names: c.705A>C, p.Glu235Asp (NM_152132.3); short protein forms E235D, E242D.
Identifiers: ClinVar variation 1378828 (VCV001378828.6), dbSNP rs376830435, ClinGen allele CA7203930.